The following is an entry in ClinVar:

ClinVar aggregate classification (germline): Uncertain significance. Review status: criteria provided, multiple submitters, no conflicts (2 of 4 stars). 2 submissions from 2 submitters: Uncertain significance (2). Last evaluated 2025-11-09.

Conditions:
Brugada syndrome 5 (BRGDA5). Identifiers: Orphanet 130, Orphanet 871, MedGen C2748541, MONDO:0013015, OMIM 612838.

Allele frequency attached by ClinVar (database versions not stated): ExAC 0.00006; TOPMed 0.00009; ESP Exome Variant Server 0.00023.
gnomAD v4.1: 37 of 1,613,798 alleles (0.0023%); highest among the groups gnomAD compares: African/African-American, 0.017%; no homozygotes.

Submissions (2):

Labcorp Genetics (formerly Invitae), Labcorp
Classification: Uncertain significance for Brugada syndrome 5. Last evaluated: 2025-11-09. Review status: criteria provided, single submitter. Criteria: Invitae Variant Classification Sherloc (09022015). Collection method: clinical testing. Allele origin: germline.
Comment: This sequence change replaces arginine, which is basic and polar, with tryptophan, which is neutral and slightly polar, at codon 163 of the SCN1B protein (p.Arg163Trp). This variant is present in population databases (rs373443526, gnomAD 0.03%). This missense change has been observed in individual(s) with clinical features of SCN1B-related conditions (internal data). ClinVar contains an entry for this variant (Variation ID: 652443). An algorithm developed to predict the effect of missense changes on protein structure and function outputs the following: PolyPhen-2: "Benign". The tryptophan amino acid residue is found in multiple mammalian species, which suggests that this missense change does not adversely affect protein function. In summary, the available evidence is currently insufficient to determine the role of this variant in disease. Therefore, it has been classified as a Variant of Uncertain Significance.

GeneDx
Classification: Uncertain significance. Last evaluated: 2020-10-30. Review status: criteria provided, single submitter. Criteria: GeneDx Variant Classification Process June 2021. Collection method: clinical testing. Allele origin: germline. Affected: yes.
Comment: Located in an alternate transcript of the gene; In silico analysis supports that this variant does not alter splicing; Has not been previously published as pathogenic or benign to our knowledge

NM_001037.5(SCN1B):c.448+39C>T

Gene: SCN1B (sodium voltage-gated channel beta subunit 1; plus strand). Cytogenetic location: 19q13.11.
Variant type: single nucleotide variant.
Coding change: c.448+39C>T on transcript NM_001037.5 (MANE Select); 39 bases into the intron after coding-DNA position 448, C replaced by T.
Molecular consequence: intron variant. On other transcripts: missense variant (1).
Genome position (GRCh38, 1-based): chr19:35,033,778, C>T. VCF-style: chr19-35033778-C-T. GRCh37 (hg19) VCF-style: chr19-35524682-C-T.
Other names: c.487C>T, p.Arg163Trp (NM_199037.5); c.349+39C>T (NM_001321605.2); short protein forms R163W.
Identifiers: ClinVar variation 652443 (VCV000652443.13), dbSNP rs373443526, ClinGen allele CA9372023.